The following is an entry in ClinVar:

ClinVar aggregate classification (germline): Likely benign (0 of 4 stars; one submission).

Conditions:
TIMP2-related disorder. Also called: TIMP2-related condition.

Allele frequency attached by ClinVar (database versions not stated): ESP Exome Variant Server 0.00008; gnomAD exomes 0.00008; gnomAD 0.00009; TOPMed 0.00019; ExAC 0.00032.

Submission:

PreventionGenetics, part of Exact Sciences
Classification: Likely benign for TIMP2-related condition. Last evaluated: 2022-05-09. Review status: no assertion criteria provided. Collection method: clinical testing. Allele origin: germline.
Comment: This variant is classified as likely benign based on ACMG/AMP sequence variant interpretation guidelines (Richards et al. 2015 PMID: 25741868, with internal and published modifications).

NM_003255.5(TIMP2):c.618C>T (p.Gly206=)

Gene: TIMP2 (TIMP metallopeptidase inhibitor 2; minus strand). Cytogenetic location: 17q25.3.
Variant type: single nucleotide variant.
Coding change: c.618C>T on transcript NM_003255.5 (MANE Select); coding-DNA position 618, C replaced by T.
Protein change: p.Gly206=; no amino-acid change (glycine 206 retained).
Molecular consequence: synonymous variant.
Genome position (GRCh38, 1-based): chr17:78,855,712, G>A on the plus strand (C>T on the coding strand, the complement: TIMP2 is on the minus strand). VCF-style: chr17-78855712-G-A. GRCh37 (hg19) VCF-style: chr17-76851794-G-A.
Identifiers: ClinVar variation 3045371 (VCV003045371.2), dbSNP rs377028476, ClinGen allele CA8807581.